The following is an entry in ClinVar:

ClinVar aggregate classification (germline): Uncertain significance (1 of 4 stars; one submission).

gnomAD v4.1: 1 of 1,566,770 alleles (0.000064%); highest among the groups gnomAD compares: Non-Finnish European, 0.000086%; no homozygotes.

Submission:

GeneDx
Classification: Uncertain significance. Last evaluated: 2025-02-15. Review status: criteria provided, single submitter. Criteria: GeneDx Variant Classification Process June 2021. Collection method: clinical testing. Allele origin: germline. Affected: yes.
Comment: Not observed at significant frequency in large population cohorts (gnomAD); In silico analysis indicates that this missense variant does not alter protein structure/function; Has not been previously published as pathogenic or benign to our knowledge

NM_152393.4(KLHL40):c.592G>A (p.Val198Met)

Gene: KLHL40 (kelch like family member 40; plus strand). Cytogenetic location: 3p22.1.
Variant type: single nucleotide variant.
Coding change: c.592G>A on transcript NM_152393.4 (MANE Select); coding-DNA position 592, G replaced by A.
Protein change: p.Val198Met; replaces valine 198 with methionine.
Molecular consequence: missense variant.
Genome position (GRCh38, 1-based): chr3:42,686,210, G>A. VCF-style: chr3-42686210-G-A. GRCh37 (hg19) VCF-style: chr3-42727702-G-A.
Other names: short protein forms V198M.
Identifiers: ClinVar variation 4075584 (VCV004075584.1).